The following is an entry in ClinVar:

ClinVar aggregate classification (germline): Uncertain significance. Review status: criteria provided, multiple submitters, no conflicts (2 of 4 stars). 3 submissions from 3 submitters: Uncertain significance (3). Last evaluated 2024-11-07.

Conditions:
Inborn genetic diseases. Identifiers: MedGen C0950123, MeSH D030342.
3-methylcrotonyl-CoA carboxylase 1 deficiency (MCC1D). Also called: MCCD TYPE 1; METHYLCROTONYLGLYCINURIA TYPE I; MCC 1 deficiency; 3 Alpha methylcrotonylglycinuria 1. Identifiers: Orphanet 6, MedGen CN028786, MONDO:0008861, OMIM 210200.

Allele frequency attached by ClinVar (database versions not stated): gnomAD 0.00001; gnomAD exomes 0.00001 and 0.00004; TOPMed 0.00001; ExAC 0.00005.
gnomAD v4.1: 14 of 1,609,160 alleles (0.00087%); highest among the groups gnomAD compares: Admixed American, 0.015%; no homozygotes.

Submissions (3):

Ambry Genetics
Classification: Uncertain significance for Inborn genetic diseases. Last evaluated: 2024-11-07. Review status: criteria provided, single submitter. Criteria: Ambry Variant Classification Scheme 2023. Collection method: clinical testing. Allele origin: germline.

Labcorp Genetics (formerly Invitae), Labcorp
Classification: Uncertain significance for 3-methylcrotonyl-CoA carboxylase 1 deficiency. Last evaluated: 2022-08-15. Review status: criteria provided, single submitter. Criteria: Invitae Variant Classification Sherloc (09022015). Collection method: clinical testing. Allele origin: germline.
Comment: This sequence change replaces histidine, which is basic and polar, with tyrosine, which is neutral and polar, at codon 265 of the MCCC1 protein (p.His265Tyr). This variant is present in population databases (rs767642062, gnomAD 0.03%). This variant has not been reported in the literature in individuals affected with MCCC1-related conditions. ClinVar contains an entry for this variant (Variation ID: 1357032). Algorithms developed to predict the effect of missense changes on protein structure and function output the following: SIFT: "Tolerated"; PolyPhen-2: "Benign"; Align-GVGD: "Class C0". The tyrosine amino acid residue is found in multiple mammalian species, which suggests that this missense change does not adversely affect protein function. In summary, the available evidence is currently insufficient to determine the role of this variant in disease. Therefore, it has been classified as a Variant of Uncertain Significance.

Fulgent Genetics
Classification: Uncertain significance for 3-methylcrotonyl-CoA carboxylase 1 deficiency. Last evaluated: 2021-07-26. Review status: criteria provided, single submitter. Criteria: ACMG Guidelines, 2015. Collection method: clinical testing. Allele origin: unknown.

NM_020166.5(MCCC1):c.793C>T (p.His265Tyr)

Gene: MCCC1 (methylcrotonyl-CoA carboxylase subunit 1; minus strand). Cytogenetic location: 3q27.1.
Variant type: single nucleotide variant.
Coding change: c.793C>T on transcript NM_020166.5 (MANE Select); coding-DNA position 793, C replaced by T.
Protein change: p.His265Tyr; replaces histidine 265 with tyrosine.
Molecular consequence: missense variant. On other transcripts: non-coding transcript variant (2).
Genome position (GRCh38, 1-based): chr3:183,057,391, G>A on the plus strand (C>T on the coding strand, the complement: MCCC1 is on the minus strand). VCF-style: chr3-183057391-G-A. GRCh37 (hg19) VCF-style: chr3-182775179-G-A.
Other names: c.442C>T, p.His148Tyr (NM_001293273.2); c.466C>T, p.His156Tyr (NM_001363880.1); c.793C>T (NM_020166.3); short protein forms H156Y, H148Y, H265Y.
Identifiers: ClinVar variation 1357032 (VCV001357032.5), dbSNP rs767642062, ClinGen allele CA2718965.